The following is an entry in ClinVar:

NM_001291088.2(WDR87):c.4375A>G (p.Met1459Val)

Gene: WDR87 (WD repeat domain 87; minus strand). Cytogenetic location: 19q13.13.
Variant type: single nucleotide variant.
Coding change: c.4375A>G on transcript NM_001291088.2 (MANE Select); coding-DNA position 4375, A replaced by G.
Protein change: p.Met1459Val; replaces methionine 1459 with valine.
Molecular consequence: missense variant.
Genome position (GRCh38, 1-based): chr19:37,889,296, T>C on the plus strand (A>G on the coding strand, the complement: WDR87 is on the minus strand). VCF-style: chr19-37889296-T-C. GRCh37 (hg19) VCF-style: chr19-38379936-T-C.
Other names: c.4258A>G, p.Met1420Val (NM_031951.5); short protein forms M1459V, M1420V.
Identifiers: ClinVar variation 2043630 (VCV002043630.4), dbSNP rs192495800, ClinGen allele CA9408658.

ClinVar aggregate classification (germline): Uncertain significance (1 of 4 stars; one submission).

Allele frequency attached by ClinVar (database versions not stated): gnomAD exomes 0.00001; TOPMed 0.00008; gnomAD 0.00011; 1000 Genomes Project 30x 0.00047; 1000 Genomes Project 0.00060; ExAC 0.00004.

Submission:

Labcorp Genetics (formerly Invitae), Labcorp
Classification: Uncertain significance. Last evaluated: 2022-06-03. Review status: criteria provided, single submitter. Criteria: Invitae Variant Classification Sherloc (09022015). Collection method: clinical testing. Allele origin: germline.
Comment: In summary, the available evidence is currently insufficient to determine the role of this variant in disease. Therefore, it has been classified as a Variant of Uncertain Significance. Algorithms developed to predict the effect of missense changes on protein structure and function output the following: SIFT: "Tolerated"; PolyPhen-2: "Benign"; Align-GVGD: "Class C0". The valine amino acid residue is found in multiple mammalian species, which suggests that this missense change does not adversely affect protein function. This variant has not been reported in the literature in individuals affected with WDR87-related conditions. This variant is present in population databases (rs192495800, gnomAD 0.02%). This sequence change replaces methionine, which is neutral and non-polar, with valine, which is neutral and non-polar, at codon 1420 of the WDR87 protein (p.Met1420Val).